The following is an entry in ClinVar:

NM_000234.3(LIG1):c.2055C>A (p.Asn685Lys)

Gene: LIG1 (DNA ligase 1; minus strand). Cytogenetic location: 19q13.33.
Variant type: single nucleotide variant.
Coding change: c.2055C>A on transcript NM_000234.3 (MANE Select); coding-DNA position 2055, C replaced by A.
Protein change: p.Asn685Lys; replaces asparagine 685 with lysine.
Molecular consequence: missense variant. On other transcripts: non-coding transcript variant (6).
Genome position (GRCh38, 1-based): chr19:48,123,268, G>T on the plus strand (C>A on the coding strand, the complement: LIG1 is on the minus strand). VCF-style: chr19-48123268-G-T. GRCh37 (hg19) VCF-style: chr19-48626525-G-T.
Other names: c.1962C>A, p.Asn654Lys (NM_001289063.2); c.1851C>A, p.Asn617Lys (NM_001289064.2); c.2052C>A, p.Asn684Lys (NM_001320970.2); c.1965C>A, p.Asn655Lys (NM_001320971.2); short protein forms N617K, N654K, N655K, N684K, N685K.
Identifiers: ClinVar variation 1011845 (VCV001011845.7), dbSNP rs549131231, ClinGen allele CA9546565.

ClinVar aggregate classification (germline): Uncertain significance (1 of 4 stars; one submission).

Allele frequency attached by ClinVar (database versions not stated): gnomAD exomes below 0.00001 and 0.00001; ExAC 0.00001; gnomAD 0.00001; TOPMed 0.00002; 1000 Genomes Project 0.00020; 1000 Genomes Project 30x 0.00031.
gnomAD v4.1: 4 of 1,614,118 alleles (0.00025%); highest among the groups gnomAD compares: Admixed American, 0.0067%; no homozygotes.

Submission:

Labcorp Genetics (formerly Invitae), Labcorp
Classification: Uncertain significance. Last evaluated: 2024-10-22. Review status: criteria provided, single submitter. Criteria: Invitae Variant Classification Sherloc (09022015). Collection method: clinical testing. Allele origin: germline.
Comment: This sequence change replaces asparagine, which is neutral and polar, with lysine, which is basic and polar, at codon 685 of the LIG1 protein (p.Asn685Lys). This variant is present in population databases (rs549131231, gnomAD 0.009%). This variant has not been reported in the literature in individuals affected with LIG1-related conditions. ClinVar contains an entry for this variant (Variation ID: 1011845). An algorithm developed to predict the effect of missense changes on protein structure and function (PolyPhen-2) suggests that this variant is likely to be tolerated. In summary, the available evidence is currently insufficient to determine the role of this variant in disease. Therefore, it has been classified as a Variant of Uncertain Significance.